The following is an entry in ClinVar:

NM_001365536.1(SCN9A):c.4598T>G (p.Met1533Arg)

Genes: SCN9A (sodium voltage-gated channel alpha subunit 9; minus strand), SCN1A-AS1 (SCN1A and SCN9A antisense RNA 1; plus strand). Cytogenetic location: 2q24.3.
Variant type: single nucleotide variant.
Coding change: c.4598T>G on transcript NM_001365536.1 (MANE Select); coding-DNA position 4598, T replaced by G.
Protein change: p.Met1533Arg; replaces methionine 1533 with arginine.
Molecular consequence: missense variant.
Genome position (GRCh38, 1-based): chr2:166,204,131, A>C on the plus strand (T>G on the coding strand, the complement: SCN9A is on the minus strand). VCF-style: chr2-166204131-A-C. GRCh37 (hg19) VCF-style: chr2-167060641-A-C.
Other names: c.4565T>G, p.Met1522Arg (NM_002977.4); short protein forms M1522R, M1533R.
Identifiers: ClinVar variation 948271 (VCV000948271.10), dbSNP rs1201035224, ClinGen allele CA349057751.
Genomic context (GRCh38, chr2:166,204,131, plus strand): 5'-ACCACATTTATCCAATATAAAACTTCAGTCATATGTTGACTTTGACCCTCCTTTTCTACC[A>C]TCATGGTTACCATGTTGAGACAGATAAGAACCATGATACTAATATCAAAGGCTTGATTTG-3'
Protein context (NP_001352465.1, residues 1523-1543): VLICLNMVTM[Met1533Arg]VEKEGQSQHM

ClinVar aggregate classification (germline): Uncertain significance (1 of 4 stars; one submission).

Conditions:
Generalized epilepsy with febrile seizures plus, type 7 (GEFSP7). Also called: GEFS+, TYPE 7. Identifiers: Orphanet 36387, MedGen C2751778, MONDO:0013470, OMIM 613863.
Neuropathy, hereditary sensory and autonomic, type 2A (HSAN2A). Also called: HSAN IIA; MORVAN DISEASE; NEUROPATHY, CONGENITAL SENSORY; NEUROPATHY, HEREDITARY SENSORY RADICULAR, AUTOSOMAL RECESSIVE; NEUROPATHY, HEREDITARY SENSORY, TYPE IIA; NEUROPATHY, PROGRESSIVE SENSORY, OF CHILDREN. Identifiers: Orphanet 970, MedGen C2752089, MONDO:0024309, OMIM 201300.

Submission:

Labcorp Genetics (formerly Invitae), Labcorp
Classification: Uncertain significance for Neuropathy, hereditary sensory and autonomic, type 2A; Generalized epilepsy with febrile seizures plus, type 7. Last evaluated: 2019-05-08. Review status: criteria provided, single submitter. Criteria: Invitae Variant Classification Sherloc (09022015). Collection method: clinical testing. Allele origin: germline.
Comment: This sequence change replaces methionine with arginine at codon 1522 of the SCN9A protein (p.Met1522Arg). The methionine residue is highly conserved and there is a moderate physicochemical difference between methionine and arginine. This variant is not present in population databases (ExAC no frequency). This variant has not been reported in the literature in individuals with SCN9A-related conditions. Algorithms developed to predict the effect of missense changes on protein structure and function are either unavailable or do not agree on the potential impact of this missense change (SIFT: "Deleterious"; PolyPhen-2: "Probably Damaging"; Align-GVGD: "Class C0"). In summary, the available evidence is currently insufficient to determine the role of this variant in disease. Therefore, it has been classified as a Variant of Uncertain Significance.